The following is an entry in ClinVar:

NM_031229.4(RBCK1):c.64G>A (p.Gly22Arg)

Gene: RBCK1 (RANBP2-type and C3HC4-type zinc finger containing 1; plus strand). Cytogenetic location: 20p13.
Variant type: single nucleotide variant.
Coding change: c.64G>A on transcript NM_031229.4 (MANE Select); coding-DNA position 64, G replaced by A.
Protein change: p.Gly22Arg; replaces glycine 22 with arginine.
Molecular consequence: missense variant. On other transcripts: 5 prime UTR variant (1), non-coding transcript variant (1), intron variant (2).
Genome position (GRCh38, 1-based): chr20:409,922, G>A. VCF-style: chr20-409922-G-A. GRCh37 (hg19) VCF-style: chr20-390566-G-A.
Other names: p.Gly22Arg; c.-286G>A (NM_001323956.2); c.64G>A, p.Gly22Arg (NM_001323960.2); c.41+1143G>A (NM_006462.6); c.-183+1143G>A (NM_001323958.2); short protein forms G22R.
Identifiers: ClinVar variation 1390342 (VCV001390342.4), dbSNP rs546711324, ClinGen allele CA9722873.

ClinVar aggregate classification (germline): Uncertain significance. Review status: criteria provided, multiple submitters, no conflicts (2 of 4 stars). 2 submissions from 2 submitters: Uncertain significance (2). Last evaluated 2023-12-04.

Conditions:
Polyglucosan body myopathy type 1 (PGBM1). Also called: Polyglucosan body myopathy 1 with or without immunodeficiency; POLYGLUCOSAN BODY MYOPATHY WITHOUT IMMUNODEFICIENCY. Identifiers: Orphanet 329173, Orphanet 397937, MedGen C4014605, MONDO:0014389, OMIM 615895.

Allele frequency attached by ClinVar (database versions not stated): gnomAD exomes 0.00001 and 0.00002; ExAC 0.00002; gnomAD 0.00003; TOPMed 0.00004.

Submissions (2):

Mayo Clinic Laboratories, Mayo Clinic
Classification: Uncertain significance. Last evaluated: 2023-12-04. Review status: criteria provided, single submitter. Criteria: ACMG Guidelines, 2015. Collection method: clinical testing. Allele origin: germline. Observed: 1 variant allele.
Comment: PM2_moderate

Labcorp Genetics (formerly Invitae), Labcorp
Classification: Uncertain significance for Polyglucosan body myopathy type 1. Last evaluated: 2022-07-25. Review status: criteria provided, single submitter. Criteria: Invitae Variant Classification Sherloc (09022015). Collection method: clinical testing. Allele origin: germline.
Comment: This sequence change replaces glycine, which is neutral and non-polar, with arginine, which is basic and polar, at codon 22 of the RBCK1 protein (p.Gly22Arg). This variant is present in population databases (rs546711324, gnomAD 0.003%). This variant has not been reported in the literature in individuals affected with RBCK1-related conditions. ClinVar contains an entry for this variant (Variation ID: 1390342). Algorithms developed to predict the effect of missense changes on protein structure and function are either unavailable or do not agree on the potential impact of this missense change (SIFT: "Not Available"; PolyPhen-2: "Probably Damaging"; Align-GVGD: "Not Available"). In summary, the available evidence is currently insufficient to determine the role of this variant in disease. Therefore, it has been classified as a Variant of Uncertain Significance.